The following is an entry in ClinVar:

NM_000540.3(RYR1):c.4846A>C (p.Thr1616Pro)

Gene: RYR1 (ryanodine receptor 1; plus strand). Cytogenetic location: 19q13.2.
Variant type: single nucleotide variant.
Coding change: c.4846A>C on transcript NM_000540.3 (MANE Select); coding-DNA position 4846, A replaced by C.
Protein change: p.Thr1616Pro; replaces threonine 1616 with proline.
Molecular consequence: missense variant.
Genome position (GRCh38, 1-based): chr19:38,483,428, A>C. VCF-style: chr19-38483428-A-C. GRCh37 (hg19) VCF-style: chr19-38974068-A-C.
Other names: c.4846A>C, p.Thr1616Pro (NM_001042723.2); short protein forms T1616P.
Identifiers: ClinVar variation 1382645 (VCV001382645.7), dbSNP rs2145529610, ClinGen allele CA405650645.
Genomic context (GRCh38, chr19:38,483,428, plus strand): 5'-ATGCAGATGCTGATGCCAGTGTCCTGGAGCCGCATGCCCAACCACTTCCTGCAGGTGGAG[A>C]CGAGGCGTGCCGGCGAGCGGCTGGGCTGGGCCGTGCAGTGCCAGGAGCCGCTGACCATGA-3'
Protein context (NP_000531.2, residues 1606-1626): RMPNHFLQVE[Thr1616Pro]RRAGERLGWA

ClinVar aggregate classification (germline): Uncertain significance. Review status: criteria provided, multiple submitters, no conflicts (2 of 4 stars). 2 submissions from 2 submitters: Uncertain significance (2). Last evaluated 2023-05-04.

Conditions:
Malignant hyperthermia, susceptibility to, 1 (MHS1). Also called: RYR1-Related Malignant Hyperthermia Susceptibility; Anesthesia related hyperthermia; Malignant hyperpyrexia; Fulminating hyperpyrexia; Pharmacogenic myopathy; Malignant hyperthermia suceptibility 1. Identifiers: Orphanet 423, MedGen C2930980, MONDO:0007783, OMIM 145600.
RYR1-related disorder. Also called: RYR1-related disorders; RYR1-related condition. Identifiers: MedGen CN239331.

Submissions (2):

All of Us Research Program, National Institutes of Health
Classification: Uncertain significance for Malignant hyperthermia, susceptibility to, 1. Last evaluated: 2023-05-04. Review status: criteria provided, single submitter. Criteria: ACMG Guidelines, 2015. Collection method: clinical testing. Allele origin: germline. Inheritance: Autosomal dominant inheritance. Observed: 1 variant allele, 1 heterozygote.
Comment: This missense variant replaces threonine with proline at codon 1616 of the RYR1 protein. Computational prediction suggests that this variant may not impact protein structure and function (internally defined REVEL score threshold <= 0.5, PMID: 27666373). To our knowledge, functional studies have not been reported for this variant. This variant has not been reported in individuals affected with RYR1-related disorders in the literature. This variant has not been identified in the general population by the Genome Aggregation Database (gnomAD). The available evidence is insufficient to determine the role of this variant in disease conclusively. Therefore, this variant is classified as a Variant of Uncertain Significance.

This study involves interpretation of variants in research participants for the purpose of population health screening. Participant phenotype was not available at the time of variant classification. Additional details can be found in publication PMID: 35346344, PMCID: PMC8962531

Labcorp Genetics (formerly Invitae), Labcorp
Classification: Uncertain significance for RYR1-related disorder. Last evaluated: 2022-06-27. Review status: criteria provided, single submitter. Criteria: Invitae Variant Classification Sherloc (09022015). Collection method: clinical testing. Allele origin: germline.
Comment: In summary, the available evidence is currently insufficient to determine the role of this variant in disease. Therefore, it has been classified as a Variant of Uncertain Significance. Advanced modeling of protein sequence and biophysical properties (such as structural, functional, and spatial information, amino acid conservation, physicochemical variation, residue mobility, and thermodynamic stability) performed at Invitae indicates that this missense variant is not expected to disrupt RYR1 protein function. This variant has not been reported in the literature in individuals affected with RYR1-related conditions. This variant is not present in population databases (gnomAD no frequency). This sequence change replaces threonine, which is neutral and polar, with proline, which is neutral and non-polar, at codon 1616 of the RYR1 protein (p.Thr1616Pro).